The following is an entry in ClinVar:

NM_001080517.3(SETD5):c.82G>C (p.Val28Leu)

Gene: SETD5 (SET domain containing 5; plus strand). Cytogenetic location: 3p25.3.
Variant type: single nucleotide variant.
Coding change: c.82G>C on transcript NM_001080517.3 (MANE Select); coding-DNA position 82, G replaced by C.
Protein change: p.Val28Leu; replaces valine 28 with leucine.
Molecular consequence: missense variant. On other transcripts: 5 prime UTR variant (2).
Genome position (GRCh38, 1-based): chr3:9,433,855, G>C. VCF-style: chr3-9433855-G-C. GRCh37 (hg19) VCF-style: chr3-9475539-G-C.
Other names: c.-252G>C (NM_001292043.2); c.-293G>C (NM_001349451.2); short protein forms V28L.
Identifiers: ClinVar variation 3369256 (VCV003369256.1).

ClinVar aggregate classification (germline): Uncertain significance (1 of 4 stars; one submission).

Submission:

GeneDx
Classification: Uncertain significance. Last evaluated: 2024-02-16. Review status: criteria provided, single submitter. Criteria: GeneDx Variant Classification Process June 2021. Collection method: clinical testing. Allele origin: germline. Affected: yes.
Comment: Not observed at significant frequency in large population cohorts (gnomAD); In silico analysis supports that this missense variant does not alter protein structure/function; Has not been previously published as pathogenic or benign to our knowledge